The following is an entry in ClinVar:

ClinVar aggregate classification (germline): Uncertain significance (1 of 4 stars; one submission).

Conditions:
Rhabdoid tumor predisposition syndrome 2 (RTPS2). Identifiers: Orphanet 231108, Orphanet 69077, MedGen C2750074, MONDO:0013224, OMIM 613325.

Submission:

Labcorp Genetics (formerly Invitae), Labcorp
Classification: Uncertain significance for Rhabdoid tumor predisposition syndrome 2. Last evaluated: 2024-06-11. Review status: criteria provided, single submitter. Criteria: Invitae Variant Classification Sherloc (09022015). Collection method: clinical testing. Allele origin: germline.
Comment: This sequence change replaces glutamic acid, which is acidic and polar, with lysine, which is basic and polar, at codon 667 of the SMARCA4 protein (p.Glu667Lys). This variant is not present in population databases (gnomAD no frequency). This variant has not been reported in the literature in individuals affected with SMARCA4-related conditions. An algorithm developed to predict the effect of missense changes on protein structure and function (PolyPhen-2) suggests that this variant is likely to be tolerated. In summary, the available evidence is currently insufficient to determine the role of this variant in disease. Therefore, it has been classified as a Variant of Uncertain Significance.

NM_003072.5(SMARCA4):c.1999G>A (p.Glu667Lys)

Gene: SMARCA4 (SWI/SNF related BAF chromatin remodeling complex subunit ATPase 4; plus strand). Cytogenetic location: 19p13.2.
Variant type: single nucleotide variant.
Coding change: c.1999G>A on transcript NM_003072.5 (MANE Select); coding-DNA position 1999, G replaced by A.
Protein change: p.Glu667Lys; replaces glutamic acid 667 with lysine.
Molecular consequence: missense variant. On other transcripts: non-coding transcript variant (1).
Genome position (GRCh38, 1-based): chr19:11,003,395, G>A. VCF-style: chr19-11003395-G-A. GRCh37 (hg19) VCF-style: chr19-11114071-G-A.
Other names: c.1999G>A, p.Glu667Lys (NM_001411150.1, NM_001128844.3, NM_001128845.2 and 6 more transcripts); short protein forms E667K.
Identifiers: ClinVar variation 3656239 (VCV003656239.2).